The following is an entry in ClinVar:

NM_002292.4(LAMB2):c.3442C>T (p.Arg1148Cys)

Gene: LAMB2 (laminin subunit beta 2; minus strand). Cytogenetic location: 3p21.31.
Variant type: single nucleotide variant.
Coding change: c.3442C>T on transcript NM_002292.4 (MANE Select); coding-DNA position 3442, C replaced by T.
Protein change: p.Arg1148Cys; replaces arginine 1148 with cysteine.
Molecular consequence: missense variant.
Genome position (GRCh38, 1-based): chr3:49,124,083, G>A on the plus strand (C>T on the coding strand, the complement: LAMB2 is on the minus strand). VCF-style: chr3-49124083-G-A. GRCh37 (hg19) VCF-style: chr3-49161516-G-A.
Other names: short protein forms R1148C.
Identifiers: ClinVar variation 1358597 (VCV001358597.9), dbSNP rs762984990, ClinGen allele CA2394037.
Genomic context (GRCh38, chr3:49,124,083, plus strand): 5'-CCCCTGGGCGGCAGCTGCAGTGACCTGTGAAGCGGTGACACTGAGGTGTATCTATTCCAC[G>A]AGAGTCACAATCACAGGCTGCAAGAAAGAGCAGAGCACAGAGTTAGGGTCACTGTGGGGC-3'
Protein context (NP_002283.3, residues 1138-1158): LQCHACDCDS[Arg1148Cys]GIDTPQCHRF

ClinVar aggregate classification (germline): Uncertain significance. Review status: criteria provided, multiple submitters, no conflicts (2 of 4 stars). 2 submissions from 2 submitters: Uncertain significance (2). Last evaluated 2025-10-12.

Conditions:
LAMB2-related infantile-onset nephrotic syndrome. Also called: NEPHROTIC SYNDROME, TYPE 5, WITHOUT OCULAR ABNORMALITIES; NEPHROTIC SYNDROME, TYPE 5, WITH OCULAR ABNORMALITIES; Nephrotic Syndrome, type 5. Identifiers: Orphanet 306507, MedGen C3280113, MONDO:0013621, OMIM 614199.
Pierson syndrome. Also called: MICROCORIA-CONGENITAL NEPHROTIC SYNDROME. Identifiers: Orphanet 2670, MedGen C1836876, MONDO:0012184, OMIM 609049.

Allele frequency attached by ClinVar (database versions not stated): ExAC 0.00001; gnomAD exomes 0.00001; TOPMed 0.00002; gnomAD 0.00004.
gnomAD v4.1: 21 of 1,613,904 alleles (0.0013%); highest among the groups gnomAD compares: South Asian, 0.0077%; no homozygotes.

Submissions (2):

Labcorp Genetics (formerly Invitae), Labcorp
Classification: Uncertain significance for LAMB2-related infantile-onset nephrotic syndrome; Pierson syndrome. Last evaluated: 2025-10-12. Review status: criteria provided, single submitter. Criteria: Invitae Variant Classification Sherloc (09022015). Collection method: clinical testing. Allele origin: germline.
Comment: This sequence change replaces arginine, which is basic and polar, with cysteine, which is neutral and slightly polar, at codon 1148 of the LAMB2 protein (p.Arg1148Cys). This variant is present in population databases (rs762984990, gnomAD 0.008%). This variant has not been reported in the literature in individuals affected with LAMB2-related conditions. ClinVar contains an entry for this variant (Variation ID: 1358597). An algorithm developed to predict the effect of missense changes on protein structure and function (PolyPhen-2) suggests that this variant is likely to be disruptive. In summary, the available evidence is currently insufficient to determine the role of this variant in disease. Therefore, it has been classified as a Variant of Uncertain Significance.

Fulgent Genetics
Classification: Uncertain significance for Pierson syndrome; LAMB2-related infantile-onset nephrotic syndrome. Last evaluated: 2024-02-06. Review status: criteria provided, single submitter. Criteria: ACMG Guidelines, 2015. Collection method: clinical testing. Allele origin: germline.